The following is an entry in ClinVar:

ClinVar aggregate classification (germline): Uncertain significance (1 of 4 stars; one submission).

Conditions:
Hypertrophic cardiomyopathy 1 (CMH1). Also called: MYH7-Related Familial Hypertrophic Cardiomyopathy; Familial hypertrophic cardiomyopathy 1. Identifiers: MedGen C3495498, MONDO:0008647, OMIM 192600.

Allele frequency attached by ClinVar (database versions not stated): gnomAD exomes below 0.00001.

Submission:

Labcorp Genetics (formerly Invitae), Labcorp
Classification: Uncertain significance for Hypertrophic cardiomyopathy 1. Last evaluated: 2016-06-13. Review status: criteria provided, single submitter. Criteria: Invitae Variant Classification Sherloc (09022015). Collection method: clinical testing. Allele origin: germline.
Comment: In summary, this variant is a novel missense change that is not predicted to affect protein function. There is no indication that it causes disease, but the available evidence is currently insufficient to prove that conclusively. Therefore, it has been classified as a Variant of Uncertain Significance. Algorithms developed to predict the effect of missense changes on protein structure and function output the following: (SIFT: "Tolerated"; PolyPhen-2: "Benign"; Align-GVGD: "Class C0"). The threonine amino acid residue is also found in multiple mammalian species, suggesting that this missense change does not adversely affect protein function. These predictions have not been confirmed by published functional studies. This variant is not present in population databases (ExAC no frequency) and has not been reported in the literature in individuals with a MYLK2-related disease. This sequence change replaces isoleucine with threonine at codon 228 of the MYLK2 protein (p.Ile228Thr). The isoleucine residue is moderately conserved and there is a moderate physicochemical difference between isoleucine and threonine.

NM_033118.4(MYLK2):c.683T>C (p.Ile228Thr)

Gene: MYLK2 (myosin light chain kinase 2; plus strand). Cytogenetic location: 20q11.21.
Variant type: single nucleotide variant.
Coding change: c.683T>C on transcript NM_033118.4 (MANE Select); coding-DNA position 683, T replaced by C.
Protein change: p.Ile228Thr; replaces isoleucine 228 with threonine.
Molecular consequence: missense variant.
Genome position (GRCh38, 1-based): chr20:31,821,648, T>C. VCF-style: chr20-31821648-T-C. GRCh37 (hg19) VCF-style: chr20-30409451-T-C.
Other names: short protein forms I228T.
Identifiers: ClinVar variation 406161 (VCV000406161.8), dbSNP rs1060500985, ClinGen allele CA16616467.